The following is an entry in ClinVar:

ClinVar aggregate classification (germline): Uncertain significance (1 of 4 stars; one submission).

Submission:

GeneDx
Classification: Uncertain significance. Last evaluated: 2020-01-24. Review status: criteria provided, single submitter. Criteria: GeneDx Variant Classification Process June 2021. Collection method: clinical testing. Allele origin: germline. Affected: yes.
Comment: Not observed in large population cohorts (Lek et al., 2016); In silico analysis, which includes protein predictors and evolutionary conservation, supports a deleterious effect; Has not been previously published as pathogenic or benign to our knowledge

NM_021076.4(NEFH):c.2003C>G (p.Ser668Cys)

Gene: NEFH (neurofilament heavy chain; plus strand). Cytogenetic location: 22q12.2.
Variant type: single nucleotide variant.
Coding change: c.2003C>G on transcript NM_021076.4 (MANE Select); coding-DNA position 2003, C replaced by G.
Protein change: p.Ser668Cys; replaces serine 668 with cysteine.
Molecular consequence: missense variant.
Genome position (GRCh38, 1-based): chr22:29,489,643, C>G. VCF-style: chr22-29489643-C-G. GRCh37 (hg19) VCF-style: chr22-29885632-C-G.
Other names: short protein forms S668C.
Identifiers: ClinVar variation 1310974 (VCV001310974.2), dbSNP rs2146400428, ClinGen allele CA411133131.